The following is an entry in ClinVar:

ClinVar aggregate classification (germline): Uncertain significance (1 of 4 stars; one submission).

Conditions:
SHH-related disorder. Also called: SHH-related condition; SHH-related disorders.

Submission:

PreventionGenetics, part of Exact Sciences
Classification: Uncertain significance for SHH-related condition. Last evaluated: 2023-08-24. Review status: criteria provided, single submitter. Criteria: ACMG Guidelines, 2015. Collection method: clinical testing. Allele origin: germline.
Comment: The SHH c.39+5_39+6delGT variant is predicted to result in an intronic deletion. To our knowledge, this variant has not been reported in the literature or in a large population database, indicating this variant is rare. At this time, the clinical significance of this variant is uncertain due to the absence of conclusive functional and genetic evidence.

NM_000193.4(SHH):c.301-153GT[2]

Gene: SHH (sonic hedgehog signaling molecule; minus strand). Cytogenetic location: 7q36.3.
Variant type: Microsatellite.
Coding change: c.301-153GT[2] on transcript NM_000193.4 (MANE Select); two copies in a row of the 2-base unit GT starting at c.301-153; the reference has three copies in a row; one copy, 2 bases deleted.
Molecular consequence: intron variant. On other transcripts: splice donor variant (1).
Genome position (GRCh38, 1-based): chr7:155,806,705-155,806,706, AC deleted on the plus strand (GT on the coding strand, the reverse complement: SHH is on the minus strand); deleting any 2 consecutive bases within chr7:155,806,705-155,806,710 gives the same sequence; the position shown is the placement nearest the transcript's 3' end. VCF-style (leftmost placement, unchanged base first): chr7-155806704-GAC-G. GRCh37 (hg19) VCF-style: chr7-155599398-GAC-G.
Other names: c.39+1GT[2] (NM_001310462.2).
Identifiers: ClinVar variation 2630856 (VCV002630856.1), dbSNP rs1803373072, ClinGen allele CA1109095045.